The following is an entry in ClinVar:

NM_006580.4(CLDN16):c.*907A>G

Gene: CLDN16 (claudin 16; plus strand). Cytogenetic location: 3q28.
Variant type: single nucleotide variant.
Coding change: c.*907A>G on transcript NM_006580.4 (MANE Select); 907 bases downstream of the stop codon, A replaced by G.
Molecular consequence: 3 prime UTR variant.
Genome position (GRCh38, 1-based): chr3:190,410,943, A>G. VCF-style: chr3-190410943-A-G. GRCh37 (hg19) VCF-style: chr3-190128732-A-G.
Other names: c.*907A>G (NM_001378492.1, NM_001378493.1).
Identifiers: ClinVar variation 344461 (VCV000344461.6), dbSNP rs116488781, ClinGen allele CA10617872.
Genomic context (GRCh38, chr3:190,410,943, plus strand): 5'-GCACCAAGCAATATATTAGACATATGGCAAAATTCAACAAATATATTTTGATATAAATAA[A>G]TAAACGTTCACGACTTTACTTAAAAAATCAATGTTGCGGCTGGGCACGGTAGCTCGCGTC-3'

ClinVar aggregate classification (germline): Benign. Review status: criteria provided, multiple submitters, no conflicts (2 of 4 stars). 2 submissions from 2 submitters: Benign (2). Last evaluated 2018-01-13.

Conditions:
Primary hypomagnesemia (HOMG3). Also called: HYPOMAGNESEMIA 3, RENAL; HYPOMAGNESEMIA, FAMILIAL, WITH HYPERCALCIURIA AND NEPHROCALCINOSIS; HYPOMAGNESEMIA, ISOLATED RENAL; HYPOMAGNESEMIA, PRIMARY, DUE TO DEFECT IN RENAL TUBULAR TRANSPORT OF MAGNESIUM. Identifiers: Orphanet 31043, MedGen C0268448, MONDO:0009550, OMIM 248250.

Allele frequency attached by ClinVar (database versions not stated): TOPMed 0.02135; gnomAD 0.02277 and 0.02403; 1000 Genomes Project 30x 0.02655; 1000 Genomes Project 0.02656.

Submissions (2):

Illumina Laboratory Services, Illumina
Classification: Benign for Primary hypomagnesemia. Last evaluated: 2018-01-13. Review status: criteria provided, single submitter. Criteria: ICSL Variant Classification Criteria 13 December 2019. Collection method: clinical testing. Allele origin: germline.
Comment: This variant was observed in the ICSL laboratory as part of a predisposition screen in an ostensibly healthy population. It had not been previously curated by ICSL or reported in the Human Gene Mutation Database (HGMD: prior to June 1st, 2018), and was therefore a candidate for classification through an automated scoring system. Utilizing variant allele frequency, disease prevalence and penetrance estimates, and inheritance mode, an automated score was calculated to assess if this variant is too frequent to cause the disease. Based on the score and internal cut-off values, a variant classified as benign is not then subjected to further curation. The score for this variant resulted in a classification of benign for this disease.

Breakthrough Genomics
Classification: Benign. Review status: criteria provided, single submitter. Criteria: ACMG Guidelines, 2015. Collection method: not provided. Allele origin: germline. Inheritance: Autosomal recessive inheritance. Affected: yes.